The following is an entry in ClinVar:

ClinVar aggregate classification (germline): Uncertain significance (1 of 4 stars; one submission).

Conditions:
Pan-Chung-Bellen syndrome. Identifiers: MedGen C5975547, MONDO:0975953, OMIM 621049.

gnomAD v4.1: 3 of 1,598,858 alleles (0.00019%); highest among the groups gnomAD compares: Admixed American, 0.0017%; no homozygotes.

Submission:

Dasa
Classification: Uncertain significance for Pan-Chung-Bellen syndrome. Last evaluated: 2026-04-13. Review status: criteria provided, single submitter. Criteria: DASA Assertion Criteria. Collection method: clinical testing. Allele origin: germline.
Comment: NM_015030.2(FRYL):c.3845T>C (p.Leu1282Pro) is a missense variant that results in the substitution of leucine with proline. This variant is rare in population databases. Computational prediction algorithms are consistent with a deleterious effect. The currently available literature and clinical evidence are not sufficient to establish a definitive association between this variant and the reported condition. Therefore, this variant is classified as a variant of uncertain significance.

NM_015030.2(FRYL):c.3845T>C (p.Leu1282Pro)

Gene: FRYL (FRY like transcription coactivator; minus strand). Cytogenetic location: 4p11.
Variant type: single nucleotide variant.
Coding change: c.3845T>C on transcript NM_015030.2 (MANE Select); coding-DNA position 3845, T replaced by C.
Protein change: p.Leu1282Pro; replaces leucine 1282 with proline.
Molecular consequence: missense variant.
Genome position (GRCh38, 1-based): chr4:48,561,488, A>G on the plus strand (T>C on the coding strand, the complement: FRYL is on the minus strand). VCF-style: chr4-48561488-A-G. GRCh37 (hg19) VCF-style: chr4-48563505-A-G.
Other names: short protein forms L1282P.
Identifiers: ClinVar variation 4880966 (VCV004880966.2).
Genomic context (GRCh38, chr4:48,561,488, plus strand): 5'-ATTGACAAATAGAAACTACTAACCAGTTCATTGATCATACCTGAGAATATGGCGAGAGTT[A>G]GCTCAGGATACGCCCTTGCTAGTTCCTCGGACAACTGATAATATGAAACAGAATAGAGAT-3'
Protein context (NP_055845.1, residues 1272-1292): SEELARAYPE[Leu1282Pro]TLAIFSEISQ